The following is an entry in ClinVar:

NM_000218.3(KCNQ1):c.921G>A (p.Val307=)

Gene: KCNQ1 (potassium voltage-gated channel subfamily Q member 1; plus strand). Cytogenetic location: 11p15.5.
Variant type: single nucleotide variant.
Coding change: c.921G>A on transcript NM_000218.3 (MANE Select); coding-DNA position 921, G replaced by A.
Protein change: p.Val307=; no amino-acid change (valine 307 retained).
Molecular consequence: synonymous variant. On other transcripts: intron variant (1).
Genome position (GRCh38, 1-based): chr11:2,572,986, G>A. VCF-style: chr11-2572986-G-A. GRCh37 (hg19) VCF-style: chr11-2594216-G-A.
Other names: p.V307V:GTG>GTA; c.921G>A, p.Val307= (NM_001406836.1); c.651G>A, p.Val217= (NM_001406837.1); c.540G>A, p.Val180= (NM_181798.2); c.478-10449G>A (NM_001406838.1).
Identifiers: ClinVar variation 53127 (VCV000053127.8), dbSNP rs397508131, ClinGen allele CA008670.

ClinVar aggregate classification (germline): Likely pathogenic. Review status: criteria provided, multiple submitters, no conflicts (2 of 4 stars). 4 submissions from 4 submitters: Likely pathogenic (4). Last evaluated 2026-06-15.

Conditions:
Cardiovascular phenotype. Identifiers: MedGen CN230736.
Jervell and Lange-Nielsen syndrome 1 (JLNS1). Also called: CARDIOAUDITORY SYNDROME OF JERVELL AND LANGE-NIELSEN; DEAFNESS, CONGENITAL, AND FUNCTIONAL HEART DISEASE; PROLONGED QT INTERVAL IN EKG AND SUDDEN DEATH; SURDO-CARDIAC SYNDROME. Identifiers: Orphanet 768, Orphanet 90647, MedGen C4551509, MONDO:0024540, OMIM 220400.
Long QT syndrome 1 (LQT1). Identifiers: Orphanet 101016, Orphanet 768, MedGen C4551647, MONDO:0100316, OMIM 192500, MONDO:0008646.

Allele frequency attached by ClinVar (database versions not stated): gnomAD exomes below 0.00001 and 0.00001.
gnomAD v4.1: 4 of 1,612,606 alleles (0.00025%); highest among the groups gnomAD compares: Middle Eastern, 0.017%; no homozygotes.

Submissions (4):

Rare Disease Center, Seoul National University Hospital
Classification: Likely pathogenic for Long QT syndrome 1. Last evaluated: 2026-06-15. Review status: criteria provided, single submitter. Criteria: ACMG Guidelines, 2015. Collection method: research. Allele origin: maternal. Inheritance: Autosomal dominant inheritance.
Comment: This variant is classified as Likely Pathogenic based on the ACMG/AMP criteria (PS3, PM2, PP3, PP5).

3billion
Classification: Likely pathogenic for Jervell and Lange-Nielsen syndrome 1. Last evaluated: 2025-03-19. Review status: criteria provided, single submitter. Criteria: ACMG Guidelines, 2015. Collection method: clinical testing. Allele origin: germline. Affected: yes.

Ambry Genetics
Classification: Likely pathogenic for Cardiovascular phenotype. Last evaluated: 2019-04-22. Review status: criteria provided, single submitter. Criteria: Ambry Variant Classification Scheme 2023. Collection method: clinical testing. Allele origin: germline.
Comment: The c.921G>A variant (also known as p.V307V), located in coding exon 6 of the KCNQ1 gene, results from a G to A substitution at nucleotide position 921. This nucleotide substitution does not change the amino acid at codon 307. However, this change occurs in the last base pair of coding exon 6, which makes it likely to have some effect on normal mRNA splicing. This nucleotide position is well conserved in available vertebrate species. Using the BDGP and ESEfinder splice site prediction tools, this alteration is predicted to weaken the efficiency of the native splice donor site; however, direct evidence is unavailable. Based on the majority of available evidence to date, this variant is likely to be pathogenic.

GeneDx
Classification: Likely pathogenic. Last evaluated: 2016-12-13. Review status: criteria provided, single submitter. Criteria: GeneDx Variant Classification (06012015). Collection method: clinical testing. Allele origin: germline. Affected: yes.
Comment: This child was compound heterozygous for c.921 G>A and a published in-frame deletion in the KCNQ1 gene. The in-frame deletion was inherited from the child's mother who was found to have a prolonged QTc interval of 473ms. The c.921 G>A variant was not observed in approximately 6,500 individuals of European and African American ancestry in the NHLBI Exome Sequencing Project, indicating it is not a common benign variant in these populations. This nucleotide substitution does not change the encoded amino acid, which is conserved only in mammals. Several in silico splice algorithms predict that this change results in abnormal gene splicing and functional studies suggest that this variant results in skipping of exon 6 (Baek et al., 2010). However, this variant lacks observation in a significant number of affected individuals and segregation data, which would further clarify its pathogenicity.

Literature cited by the submitters: PubMed 20890437 (cited by 3billion and Ambry Genetics).